The following is an entry in ClinVar:

NM_015335.5(MED13L):c.5581C>G (p.Pro1861Ala)

Gene: MED13L (mediator complex subunit 13L; minus strand). Cytogenetic location: 12q24.21.
Variant type: single nucleotide variant.
Coding change: c.5581C>G on transcript NM_015335.5 (MANE Select); coding-DNA position 5581, C replaced by G.
Protein change: p.Pro1861Ala; replaces proline 1861 with alanine.
Molecular consequence: missense variant.
Genome position (GRCh38, 1-based): chr12:115,975,522, G>C on the plus strand (C>G on the coding strand, the complement: MED13L is on the minus strand). VCF-style: chr12-115975522-G-C. GRCh37 (hg19) VCF-style: chr12-116413327-G-C.
Other names: short protein forms P1861A.
Identifiers: ClinVar variation 3672855 (VCV003672855.2).

ClinVar aggregate classification (germline): Uncertain significance (1 of 4 stars; one submission).

Conditions:
Dextro-looped transposition of the great arteries. Also called: Dextrotransposition of the great arteries. Identifiers: Orphanet 860, MedGen C3531771, MONDO:0019443, OMIM 608808, HP:0031348.

gnomAD v4.1: 6 of 1,613,648 alleles (0.00037%); highest among the groups gnomAD compares: Admixed American, 0.0083%; no homozygotes.

Submission:

Labcorp Genetics (formerly Invitae), Labcorp
Classification: Uncertain significance for Dextro-looped transposition of the great arteries. Last evaluated: 2025-11-23. Review status: criteria provided, single submitter. Criteria: Invitae Variant Classification Sherloc (09022015). Collection method: clinical testing. Allele origin: germline.
Comment: This sequence change replaces proline, which is neutral and non-polar, with alanine, which is neutral and non-polar, at codon 1861 of the MED13L protein (p.Pro1861Ala). This variant is present in population databases (rs765522411, gnomAD 0.01%). This variant has not been reported in the literature in individuals affected with MED13L-related conditions. ClinVar contains an entry for this variant (Variation ID: 3672855). Invitae Evidence Modeling of protein sequence and biophysical properties (such as structural, functional, and spatial information, amino acid conservation, physicochemical variation, residue mobility, and thermodynamic stability) indicates that this missense variant is expected to disrupt MED13L protein function with a positive predictive value of 80%. In summary, the available evidence is currently insufficient to determine the role of this variant in disease. Therefore, it has been classified as a Variant of Uncertain Significance.